The following is an entry in ClinVar:

ClinVar aggregate classification (germline): Benign (0 of 4 stars; one submission).

Conditions:
PUS7-related disorder. Also called: PUS7-related condition.

Allele frequency attached by ClinVar (database versions not stated): gnomAD exomes 0.00079; ExAC 0.00255; 1000 Genomes Project 0.00739; gnomAD 0.00782; 1000 Genomes Project 30x 0.00796; TOPMed 0.00878; ESP Exome Variant Server 0.00953.
gnomAD v4.1: 2,365 of 1,612,766 alleles (0.15%); highest among the groups gnomAD compares: African/African-American, 2.9%; 35 homozygotes.

Submission:

PreventionGenetics, part of Exact Sciences
Classification: Benign for PUS7-related condition. Last evaluated: 2019-07-31. Review status: no assertion criteria provided. Collection method: clinical testing. Allele origin: germline.
Comment: This variant is classified as benign based on ACMG/AMP sequence variant interpretation guidelines (Richards et al. 2015 PMID: 25741868, with internal and published modifications).

NM_019042.5(PUS7):c.1314A>G (p.Leu438=)

Gene: PUS7 (pseudouridine synthase 7; minus strand). Cytogenetic location: 7q22.3.
Variant type: single nucleotide variant.
Coding change: c.1314A>G on transcript NM_019042.5 (MANE Select); coding-DNA position 1314, A replaced by G.
Protein change: p.Leu438=; no amino-acid change (leucine 438 retained).
Molecular consequence: synonymous variant.
Genome position (GRCh38, 1-based): chr7:105,470,772, T>C on the plus strand (A>G on the coding strand, the complement: PUS7 is on the minus strand). VCF-style: chr7-105470772-T-C. GRCh37 (hg19) VCF-style: chr7-105111219-T-C.
Other names: c.1332A>G, p.Leu444= (NM_001318163.1); c.1314A>G, p.Leu438= (NM_001318164.2).
Identifiers: ClinVar variation 3033867 (VCV003033867.2), dbSNP rs112413140, ClinGen allele CA4425913.